The following is an entry in ClinVar:

ClinVar aggregate classification (germline): Benign/Likely benign. Review status: criteria provided, multiple submitters, no conflicts (2 of 4 stars). 3 submissions from 3 submitters: Benign (1); Likely benign (2). Last evaluated 2024-12-30.

Conditions:
Hereditary cancer-predisposing syndrome. Also called: Hereditary Cancer Syndrome; Hereditary neoplastic syndrome; Neoplastic Syndromes, Hereditary; Tumor predisposition. Identifiers: Orphanet 140162, MedGen C0027672, MeSH D009386, MONDO:0015356.
Lynch syndrome 5 (LYNCH5). Also called: Colorectal cancer, hereditary nonpolyposis, type 5; Hereditary non-polyposis colorectal cancer, type 5. Identifiers: Orphanet 144, MedGen C1833477, MONDO:0013710, OMIM 614350. Disease mechanism: loss of function.

Submissions (3):

Myriad Genetics, Inc.
Classification: Benign for Lynch syndrome 5. Last evaluated: 2024-12-30. Review status: criteria provided, single submitter. Criteria: Myriad Autosomal Dominant, Autosomal Recessive and X-Linked Classification Criteria (2023). Collection method: clinical testing. Allele origin: unknown.
Comment: This variant is considered benign. This variant is a silent/synonymous amino acid change and it is not expected to impact splicing.

Sema4
Classification: Likely benign for Hereditary cancer-predisposing syndrome. Last evaluated: 2022-01-02. Review status: criteria provided, single submitter. Criteria: Sema4 Curation Guidelines. Collection method: curation. Allele origin: germline.

Ambry Genetics
Classification: Likely benign for Hereditary cancer-predisposing syndrome. Last evaluated: 2020-06-15. Review status: criteria provided, single submitter. Criteria: Ambry Variant Classification Scheme 2023. Collection method: clinical testing. Allele origin: germline.

NM_000179.3(MSH6):c.2232G>A (p.Glu744=)

Gene: MSH6 (mutS homolog 6; plus strand). Cytogenetic location: 2p16.3.
Variant type: single nucleotide variant.
Coding change: c.2232G>A on transcript NM_000179.3 (MANE Select); coding-DNA position 2232, G replaced by A.
Protein change: p.Glu744=; no amino-acid change (glutamic acid 744 retained).
Molecular consequence: synonymous variant. On other transcripts: non-coding transcript variant (5), intron variant (2).
Genome position (GRCh38, 1-based): chr2:47,800,215, G>A. VCF-style: chr2-47800215-G-A. GRCh37 (hg19) VCF-style: chr2-48027354-G-A.
Other names: c.1842G>A, p.Glu614= (NM_001281492.2); c.1326G>A, p.Glu442= (NM_001281493.2, NM_001281494.2, NM_001406811.1 and 6 more transcripts); c.2328G>A, p.Glu776= (NM_001406795.1, NM_001406802.1); c.2232G>A, p.Glu744= (NM_001406796.1, NM_001406798.1, NM_001406800.1 and 3 more transcripts); c.1935G>A, p.Glu645= (NM_001406797.1, NM_001406801.1, NM_001406805.1 and 10 more transcripts); c.1707G>A, p.Glu569= (NM_001406799.1, NM_001406806.1, NM_001406807.1); c.2154G>A, p.Glu718= (NM_001406804.1); c.2238G>A, p.Glu746= (NM_001406813.1); and 3 more.
Identifiers: ClinVar variation 1692252 (VCV001692252.4), dbSNP rs2104395465, ClinGen allele CA426121336.